The following is an entry in ClinVar:

ClinVar aggregate classification (germline): Uncertain significance (1 of 4 stars; one submission).

Conditions:
Hereditary cancer-predisposing syndrome. Also called: Hereditary neoplastic syndrome; Neoplastic Syndromes, Hereditary; Tumor predisposition; Hereditary Cancer Syndrome. Identifiers: Orphanet 140162, MedGen C0027672, MeSH D009386, MONDO:0015356.

Submission:

Ambry Genetics
Classification: Uncertain significance for Hereditary cancer-predisposing syndrome. Last evaluated: 2017-11-13. Review status: criteria provided, single submitter. Criteria: Ambry Variant Classification Scheme 2023. Collection method: clinical testing. Allele origin: germline.
Comment: The p.E1996K variant (also known as c.5986G>A), located in coding exon 39 of the ATM gene, results from a G to A substitution at nucleotide position 5986. The glutamic acid at codon 1996 is replaced by lysine, an amino acid with similar properties. This amino acid position is well conserved in available vertebrate species. In addition, this alteration is predicted to be tolerated by in silico analysis. Since supporting evidence is limited at this time, the clinical significance of this alteration remains unclear.

NM_000051.4(ATM):c.5986G>A (p.Glu1996Lys)

Genes: ATM (ATM serine/threonine kinase; plus strand), C11orf65 (chromosome 11 open reading frame 65; minus strand). Cytogenetic location: 11q22.3.
Variant type: single nucleotide variant.
Coding change: c.5986G>A on transcript NM_000051.4 (MANE Select); coding-DNA position 5986, G replaced by A.
Protein change: p.Glu1996Lys; replaces glutamic acid 1996 with lysine.
Molecular consequence: missense variant. On other transcripts: intron variant (2).
Genome position (GRCh38, 1-based): chr11:108,312,478, G>A. VCF-style: chr11-108312478-G-A. GRCh37 (hg19) VCF-style: chr11-108183205-G-A.
Other names: c.5986G>A, p.Glu1996Lys (NM_001351834.2); c.641-3407C>T (NM_001330368.2); c.*39-3407C>T (NM_001351110.2); short protein forms E1996K.
Identifiers: ClinVar variation 1750864 (VCV001750864.2), dbSNP rs2084252910, ClinGen allele CA382548772.